The following is an entry in ClinVar:

NM_002880.4(RAF1):c.381A>G (p.Gln127=)

Gene: RAF1 (Raf-1 proto-oncogene, serine/threonine kinase; minus strand). Cytogenetic location: 3p25.2.
Variant type: single nucleotide variant.
Coding change: c.381A>G on transcript NM_002880.4 (MANE Select); coding-DNA position 381, A replaced by G.
Protein change: p.Gln127=; no amino-acid change (glutamine 127 retained).
Molecular consequence: synonymous variant. On other transcripts: non-coding transcript variant (3).
Genome position (GRCh38, 1-based): chr3:12,609,275, T>C on the plus strand (A>G on the coding strand, the complement: RAF1 is on the minus strand). VCF-style: chr3-12609275-T-C. GRCh37 (hg19) VCF-style: chr3-12650774-T-C.
Other names: c.381A>G, p.Gln127= (NM_001354689.3, NM_001354690.3, NM_001354693.3); c.138A>G, p.Gln46= (NM_001354691.3, NM_001354692.3, NM_001354694.3 and 1 more transcripts).
Identifiers: ClinVar variation 3641659 (VCV003641659.2).

ClinVar aggregate classification (germline): Uncertain significance (1 of 4 stars; one submission).

Conditions:
RASopathy. Also called: Noonan spectrum disorder; rasopathies. Identifiers: Orphanet 536391, MedGen C5555857, MONDO:0021060.

Submission:

Labcorp Genetics (formerly Invitae), Labcorp
Classification: Uncertain significance for RASopathy. Last evaluated: 2024-02-17. Review status: criteria provided, single submitter. Criteria: Invitae Variant Classification Sherloc (09022015). Collection method: clinical testing. Allele origin: germline.
Comment: This sequence change affects codon 127 of the RAF1 mRNA. It is a 'silent' change, meaning that it does not change the encoded amino acid sequence of the RAF1 protein. This variant is not present in population databases (gnomAD no frequency). This variant has not been reported in the literature in individuals affected with RAF1-related conditions. Algorithms developed to predict the effect of sequence changes on RNA splicing suggest that this variant may disrupt the consensus splice site. In summary, the available evidence is currently insufficient to determine the role of this variant in disease. Therefore, it has been classified as a Variant of Uncertain Significance.